The following is an entry in ClinVar:

NM_004104.5(FASN):c.6916G>A (p.Gly2306Ser)

Gene: FASN (fatty acid synthase; minus strand). Cytogenetic location: 17q25.3.
Variant type: single nucleotide variant.
Coding change: c.6916G>A on transcript NM_004104.5 (MANE Select); coding-DNA position 6916, G replaced by A.
Protein change: p.Gly2306Ser; replaces glycine 2306 with serine.
Molecular consequence: missense variant.
Genome position (GRCh38, 1-based): chr17:82,080,501, C>T on the plus strand (G>A on the coding strand, the complement: FASN is on the minus strand). VCF-style: chr17-82080501-C-T. GRCh37 (hg19) VCF-style: chr17-80038377-C-T.
Other names: c.6916G>A (NM_004104.4); short protein forms G2306S.
Identifiers: ClinVar variation 1483550 (VCV001483550.9), dbSNP rs1240723721, ClinGen allele CA401598237.

ClinVar aggregate classification (germline): Uncertain significance. Review status: criteria provided, multiple submitters, no conflicts (2 of 4 stars). 2 submissions from 2 submitters: Uncertain significance (2). Last evaluated 2024-08-19.

Conditions:
Epileptic encephalopathy. Identifiers: MedGen C0543888, HP:0200134.

Allele frequency attached by ClinVar (database versions not stated): TOPMed below 0.00001; gnomAD 0.00001.

Submissions (2):

Ambry Genetics
Classification: Uncertain significance. Last evaluated: 2024-08-19. Review status: criteria provided, single submitter. Criteria: Ambry Variant Classification Scheme 2023. Collection method: clinical testing. Allele origin: germline.

Labcorp Genetics (formerly Invitae), Labcorp
Classification: Uncertain significance for Epileptic encephalopathy. Last evaluated: 2020-11-28. Review status: criteria provided, single submitter. Criteria: Invitae Variant Classification Sherloc (09022015). Collection method: clinical testing. Allele origin: germline.
Comment: In summary, the available evidence is currently insufficient to determine the role of this variant in disease. Therefore, it has been classified as a Variant of Uncertain Significance. Algorithms developed to predict the effect of sequence changes on RNA splicing suggest that this variant may create or strengthen a splice site, but this prediction has not been confirmed by published transcriptional studies. Algorithms developed to predict the effect of missense changes on protein structure and function are either unavailable or do not agree on the potential impact of this missense change (SIFT: "Deleterious"; PolyPhen-2: "Probably Damaging"; Align-GVGD: "Class C0"). This variant has not been reported in the literature in individuals with FASN-related conditions. This variant is not present in population databases (ExAC no frequency). This sequence change replaces glycine with serine at codon 2306 of the FASN protein (p.Gly2306Ser). The glycine residue is highly conserved and there is a small physicochemical difference between glycine and serine.